The following is an entry in ClinVar:

ClinVar aggregate classification (germline): Benign (1 of 4 stars; one submission).

Conditions:
Colorectal cancer, hereditary nonpolyposis, type 7. Identifiers: Orphanet 144, MedGen C1858380, MONDO:0013725, OMIM 614385.

Submission:

Myriad Genetics, Inc.
Classification: Benign for Colorectal cancer, hereditary nonpolyposis, type 7. Last evaluated: 2026-09-16. Review status: criteria provided, single submitter. Criteria: Myriad Autosomal Dominant, Autosomal Recessive and X-Linked Classification Criteria (2023). Collection method: clinical testing. Allele origin: unknown.
Comment: This variant is considered benign. This variant is a silent/synonymous amino acid change and it is not expected to impact splicing.

NM_001040108.2(MLH3):c.660C>G (p.Ser220=)

Gene: MLH3 (mutL homolog 3; minus strand). Cytogenetic location: 14q24.3.
Variant type: single nucleotide variant.
Coding change: c.660C>G on transcript NM_001040108.2 (MANE Select); coding-DNA position 660, C replaced by G.
Protein change: p.Ser220=; no amino-acid change (serine 220 retained).
Molecular consequence: synonymous variant.
Genome position (GRCh38, 1-based): chr14:75,048,996, G>C on the plus strand (C>G on the coding strand, the complement: MLH3 is on the minus strand). VCF-style: chr14-75048996-G-C. GRCh37 (hg19) VCF-style: chr14-75515699-G-C.
Other names: c.660C>G, p.Ser220= (NM_014381.3).
Identifiers: ClinVar variation 5042260 (VCV005042260.1).